The following is an entry in ClinVar:

ClinVar aggregate classification (germline): Pathogenic (1 of 4 stars; one submission).

Submission:

Labcorp Genetics (formerly Invitae), Labcorp
Classification: Pathogenic. Last evaluated: 2026-01-11. Review status: criteria provided, single submitter. Criteria: Invitae Variant Classification Sherloc (09022015). Collection method: clinical testing. Allele origin: germline.
Comment: This sequence change creates a premature translational stop signal (p.Tyr415Metfs*17) in the NFKB1 gene. It is expected to result in an absent or disrupted protein product. Loss-of-function variants in NFKB1 are known to be pathogenic (PMID: 26279205, 29477724). This variant is not present in population databases (gnomAD no frequency). This variant has not been reported in the literature in individuals affected with NFKB1-related conditions. For these reasons, this variant has been classified as Pathogenic.

Literature cited by the submitters: PubMed 26279205; PubMed 29477724.

NM_003998.4(NFKB1):c.1243del (p.Tyr415fs)

Gene: NFKB1 (nuclear factor kappa B subunit 1; plus strand). Cytogenetic location: 4q24.
Variant type: Deletion.
Coding change: c.1243del on transcript NM_003998.4 (MANE Select); coding-DNA position 1243, one base deleted (T; older notation c.1243delT).
Protein change: p.Tyr415fs; shifts the reading frame from tyrosine 415.
Molecular consequence: frameshift variant.
Genome position (GRCh38, 1-based): chr4:102,594,924, T deleted; the last of 2 consecutive T bases (chr4:102,594,923-102,594,924); deleting either gives the same sequence. VCF-style (leftmost placement, unchanged base first): chr4-102594922-CT-C. GRCh37 (hg19) VCF-style: chr4-103516079-CT-C.
Other names: c.1240del, p.Tyr414fs (NM_001165412.2, NM_001319226.2, NM_001382627.1); c.1243del, p.Tyr415fs (NM_001382625.1, NM_001382626.1); c.1201del, p.Tyr401fs (NM_001382628.1); short protein forms Y415fs, Y414fs, Y401fs.
Identifiers: ClinVar variation 4735047 (VCV004735047.1).
Genomic context (GRCh38, chr4:102,594,922, plus strand): 5'-ATGTTTCATTTGTTTTACTTGCCGTTTCAGGGTATAGCTTCCCACACTATGGATTTCCTA[CT>C]TATGGTGGGATTACTTTCCATCCTGGAACTACTAAATCTAATGCTGGGATGAAGCATGGT-3'